The following is an entry in ClinVar:

NM_000214.3(JAG1):c.588C>T (p.Cys196=)

Gene: JAG1 (jagged canonical Notch ligand 1; minus strand). Cytogenetic location: 20p12.2.
Variant type: single nucleotide variant.
Coding change: c.588C>T on transcript NM_000214.3 (MANE Select); coding-DNA position 588, C replaced by T.
Protein change: p.Cys196=; no amino-acid change (cysteine 196 retained).
Molecular consequence: synonymous variant.
Genome position (GRCh38, 1-based): chr20:10,658,574, G>A on the plus strand (C>T on the coding strand, the complement: JAG1 is on the minus strand). VCF-style: chr20-10658574-G-A. GRCh37 (hg19) VCF-style: chr20-10639222-G-A.
Other names: p.Cys196=.
Identifiers: ClinVar variation 42481 (VCV000042481.35), dbSNP rs1801138, ClinGen allele CA232489.
Genomic context (GRCh38, chr20:10,658,574, plus strand): 5'-GCCATTCTGGTCACAGGCATAGTGTCCAAAGAAGTCATCTCTGGGGCGGCAGAACTTATT[G>A]CAGCCAAAGCCATAGTAGTAGTCATCACAGGTCACGCGGATCTGATACTCAAAGTGGGCA-3'
Protein context (NP_000205.1, residues 186-206): TCDDYYYGFG[Cys196=]NKFCRPRDDF

ClinVar aggregate classification (germline): Benign. Review status: criteria provided, multiple submitters, no conflicts (2 of 4 stars). 15 submissions from 15 submitters: Benign (9). 6 of the submissions do not count toward it. Last evaluated 2026-02-03.

Conditions:
Isolated Nonsyndromic Congenital Heart Disease.
Cardiovascular phenotype. Identifiers: MedGen CN230736.
Alagille syndrome due to a JAG1 point mutation. Also called: HEPATIC DUCTULAR HYPOPLASIA, SYNDROMATIC; Alagille Syndrome 1; JAG1-Related Alagille Syndrome. Identifiers: Orphanet 261619, Orphanet 52, MedGen C1956125, MONDO:0016862, OMIM 118450.

Allele frequency attached by ClinVar (database versions not stated): gnomAD exomes 0.06539 and 0.10599; ESP Exome Variant Server 0.10395; gnomAD 0.10620 and 0.11080; ExAC 0.10877; TOPMed 0.12163; 1000 Genomes Project 0.18191; 1000 Genomes Project 30x 0.18223.
gnomAD v4.1: 113,830 of 1,614,084 alleles (7.1%); highest among the groups gnomAD compares: East Asian, 24%; 7,656 homozygotes.

Submissions (15):

Labcorp Genetics (formerly Invitae), Labcorp
Classification: Benign for Alagille syndrome due to a JAG1 point mutation. Last evaluated: 2026-02-03. Review status: criteria provided, single submitter. Criteria: Invitae Variant Classification Sherloc (09022015). Collection method: clinical testing. Allele origin: germline.

Blueprint Genetics
Classification: Benign. Last evaluated: 2024-11-28. Review status: criteria provided, single submitter. Criteria: ACMG Guidelines, 2015. Collection method: clinical testing. Allele origin: germline.

Women's Health and Genetics/Laboratory Corporation of America, LabCorp
Classification: Benign. Last evaluated: 2023-05-28. Review status: criteria provided, single submitter. Criteria: LabCorp Variant Classification Summary - May 2015. Collection method: clinical testing. Allele origin: germline.

Mayo Clinic Laboratories, Mayo Clinic
Classification: Benign. Last evaluated: 2022-04-08. Review status: criteria provided, single submitter. Criteria: ACMG Guidelines, 2015. Collection method: clinical testing. Allele origin: germline. Observed: 170 variant alleles.

Laboratory for Molecular Medicine, Mass General Brigham Personalized Medicine
Classification: Benign. Last evaluated: 2019-05-06. Review status: criteria provided, single submitter. Criteria: ACMG Guidelines, 2015. Collection method: clinical testing. Allele origin: germline.
Comment: The p.Cys196Cys variant in JAG1 is classified as benign because it has been identified in 10.5% (29790/282820) of chromosomes by gnomAD. ACMG/AMP Criteria applied: BA1, BP4, BP7.

Illumina Laboratory Services, Illumina
Classification: Benign for Isolated Nonsyndromic Congenital Heart Disease. Last evaluated: 2017-04-27. Review status: criteria provided, single submitter. Criteria: ICSL Variant Classification Criteria 13 December 2019. Collection method: clinical testing. Allele origin: germline.
Comment: This variant was observed as part of a predisposition screen in an ostensibly healthy population. A literature search was performed for the gene, cDNA change, and amino acid change (where applicable). No publications were found based on this search. Allele frequency data from public databases was too high to be consistent with this variant causing disease. Therefore, this variant is classified as benign.

Ambry Genetics
Classification: Benign for Cardiovascular phenotype. Last evaluated: 2015-07-15. Review status: criteria provided, single submitter. Criteria: Ambry Variant Classification Scheme 2023. Collection method: clinical testing. Allele origin: germline.

Breakthrough Genomics
Classification: Benign. Review status: criteria provided, single submitter. Criteria: ACMG Guidelines, 2015. Collection method: not provided. Allele origin: germline. Inheritance: Autosomal dominant inheritance. Affected: yes.

PreventionGenetics, part of Exact Sciences
Classification: Benign. Review status: criteria provided, single submitter. Criteria: ACMG Guidelines, 2015. Collection method: clinical testing. Allele origin: germline.

Clinical Genetics DNA and cytogenetics Diagnostics Lab, Erasmus MC, Erasmus Medical Center
Classification: Benign. Review status: no assertion criteria provided. Collection method: clinical testing. Allele origin: germline. Affected: yes. Study: VKGL Data-share Consensus. Not counted in ClinVar's aggregate classification.

Clinical Genetics, Academic Medical Center
Classification: Benign. Review status: no assertion criteria provided. Collection method: clinical testing. Allele origin: germline. Affected: yes. Study: VKGL Data-share Consensus. Not counted in ClinVar's aggregate classification.

Department of Ophthalmology and Visual Sciences Kyoto University
Classification: Likely benign. Review status: no assertion criteria provided. Collection method: not provided. Allele origin: unknown. Not counted in ClinVar's aggregate classification.
ClinVar note: Converted during submission from probable-non-pathogenic to Likely benign.

Diagnostic Laboratory, Department of Genetics, University Medical Center Groningen
Classification: Benign. Review status: no assertion criteria provided. Collection method: clinical testing. Allele origin: germline. Affected: yes. Study: VKGL Data-share Consensus. Not counted in ClinVar's aggregate classification.

Genome Diagnostics Laboratory, University Medical Center Utrecht
Classification: Benign. Review status: no assertion criteria provided. Collection method: clinical testing. Allele origin: germline. Affected: yes. Study: VKGL Data-share Consensus. Not counted in ClinVar's aggregate classification.

Joint Genome Diagnostic Labs from Nijmegen and Maastricht, Radboudumc and MUMC+
Classification: Benign. Review status: no assertion criteria provided. Collection method: clinical testing. Allele origin: germline. Affected: yes. Study: VKGL Data-share Consensus. Not counted in ClinVar's aggregate classification.

Literature cited by the submitters: PubMed 9585603 (cited by Laboratory for Molecular Medicine, Mass General Brigham Personalized Medicine); PubMed 16575836 (cited by Laboratory for Molecular Medicine, Mass General Brigham Personalized Medicine).